The following is an entry in ClinVar:

ClinVar aggregate classification (germline): Uncertain significance (1 of 4 stars; one submission).

Conditions:
Hereditary cancer-predisposing syndrome. Also called: Neoplastic Syndromes, Hereditary; Tumor predisposition; Hereditary Cancer Syndrome; Hereditary neoplastic syndrome. Identifiers: Orphanet 140162, MedGen C0027672, MeSH D009386, MONDO:0015356.

Submission:

Ambry Genetics
Classification: Uncertain significance for Hereditary cancer-predisposing syndrome. Last evaluated: 2026-06-03. Review status: criteria provided, single submitter. Criteria: Ambry Variant Classification Scheme 2023. Collection method: clinical testing. Allele origin: germline.
Comment: The p.E1605Q variant (also known as c.4813G>C), located in coding exon 29 of the ALK gene, results from a G to C substitution at nucleotide position 4813. The glutamic acid at codon 1605 is replaced by glutamine, an amino acid with highly similar properties. This amino acid position is conserved. In addition, this alteration is predicted to be tolerated by in silico analysis. Based on the available evidence, the clinical significance of this variant remains unclear.

NM_004304.5(ALK):c.4813G>C (p.Glu1605Gln)

Gene: ALK (ALK receptor tyrosine kinase; minus strand). Cytogenetic location: 2p23.2.
Variant type: single nucleotide variant.
Coding change: c.4813G>C on transcript NM_004304.5 (MANE Select); coding-DNA position 4813, G replaced by C.
Protein change: p.Glu1605Gln; replaces glutamic acid 1605 with glutamine.
Molecular consequence: missense variant.
Genome position (GRCh38, 1-based): chr2:29,193,274, C>G on the plus strand (G>C on the coding strand, the complement: ALK is on the minus strand). VCF-style: chr2-29193274-C-G. GRCh37 (hg19) VCF-style: chr2-29416140-C-G.
Other names: c.1609G>C, p.Glu537Gln (NM_001353765.2); short protein forms E1605Q, E537Q.
Identifiers: ClinVar variation 4869702 (VCV004869702.1).